The following is an entry in ClinVar:

NM_001042492.3(NF1):c.594del (p.Phe199fs)

Gene: NF1 (neurofibromin 1; plus strand). Cytogenetic location: 17q11.2.
Variant type: Deletion.
Coding change: c.594del on transcript NM_001042492.3 (MANE Select); coding-DNA position 594, one base deleted (A; older notation c.594delA).
Protein change: p.Phe199fs; shifts the reading frame from phenylalanine 199.
Molecular consequence: frameshift variant.
Genome position (GRCh38, 1-based): chr17:31,181,429, A deleted. VCF-style (leftmost placement, unchanged base first): chr17-31181428-CA-C. GRCh37 (hg19) VCF-style: chr17-29508446-CA-C.
Other names: c.594delA (NM_000267.3); c.594delA, p.Phe199Leufs (NM_000267.4); c.594del, p.Phe199fs (NM_001128147.3); short protein forms F199fs.
Identifiers: ClinVar variation 527567 (VCV000527567.5), dbSNP rs1555608647, ClinGen allele CA658798742.

ClinVar aggregate classification (germline): Pathogenic (1 of 4 stars; one submission).

Conditions:
Neurofibromatosis, type 1 (NF1). Also called: VON RECKLINGHAUSEN DISEASE; NEUROFIBROMATOSIS, TYPE I, SOMATIC; Peripheral type neurofibromatosis; Neurofibromatosis, type I. Identifiers: Orphanet 636, MedGen C0027831, MONDO:0018975, OMIM 162200. Disease mechanism: loss of function.

Submission:

Labcorp Genetics (formerly Invitae), Labcorp
Classification: Pathogenic for Neurofibromatosis, type 1. Last evaluated: 2021-11-02. Review status: criteria provided, single submitter. Criteria: Invitae Variant Classification Sherloc (09022015). Collection method: clinical testing. Allele origin: germline.
Comment: This sequence change creates a premature translational stop signal (p.Phe199Leufs*6) in the NF1 gene. It is expected to result in an absent or disrupted protein product. Loss-of-function variants in NF1 are known to be pathogenic (PMID: 10712197, 23913538). This variant is not present in population databases (gnomAD no frequency). This variant has not been reported in the literature in individuals affected with NF1-related conditions. ClinVar contains an entry for this variant (Variation ID: 527567). For these reasons, this variant has been classified as Pathogenic.

Literature cited by the submitters: PubMed 10712197; PubMed 23913538.